The following is an entry in ClinVar:

NM_152564.5(VPS13B):c.11313G>A (p.Ser3771=)

Gene: VPS13B (vacuolar protein sorting 13 homolog B; plus strand). Cytogenetic location: 8q22.2.
Variant type: single nucleotide variant.
Coding change: c.11313G>A on transcript NM_152564.5 (MANE Select); coding-DNA position 11313, G replaced by A.
Protein change: p.Ser3771=; no amino-acid change (serine 3771 retained).
Molecular consequence: synonymous variant.
Genome position (GRCh38, 1-based): chr8:99,868,386, G>A. VCF-style: chr8-99868386-G-A. GRCh37 (hg19) VCF-style: chr8-100880614-G-A.
Other names: c.11313G>A (NM_152564.4); c.11388G>A, p.Ser3796= (NM_017890.5).
Identifiers: ClinVar variation 588980 (VCV000588980.11), dbSNP rs753931096, ClinGen allele CA4825206.

ClinVar aggregate classification (germline): Likely benign. Review status: criteria provided, multiple submitters, no conflicts (2 of 4 stars). 3 submissions from 3 submitters: Likely benign (2). 1 of the submissions does not count toward it. Last evaluated 2026-01-21.

Conditions:
VPS13B-related disorder. Also called: VPS13B-related condition.
Inborn genetic diseases. Identifiers: MedGen C0950123, MeSH D030342.
Cohen syndrome (COH1). Also called: PEPPER SYNDROME; Cutis verticis gyrata, retinitis pigmentosa, and sensorineural deafness. Identifiers: Orphanet 193, MedGen C0265223, MONDO:0008999, OMIM 216550.

Allele frequency attached by ClinVar (database versions not stated): TOPMed 0.00001; ExAC 0.00002.
gnomAD v4.1: 17 of 1,614,146 alleles (0.0011%); highest among the groups gnomAD compares: South Asian, 0.0088%; no homozygotes.

Submissions (3):

Labcorp Genetics (formerly Invitae), Labcorp
Classification: Likely benign for Cohen syndrome. Last evaluated: 2026-01-21. Review status: criteria provided, single submitter. Criteria: Invitae Variant Classification Sherloc (09022015). Collection method: clinical testing. Allele origin: germline.

Ambry Genetics
Classification: Likely benign for Inborn genetic diseases. Last evaluated: 2017-05-18. Review status: criteria provided, single submitter. Criteria: Ambry Variant Classification Scheme 2023. Collection method: clinical testing. Allele origin: germline.

PreventionGenetics, part of Exact Sciences
Classification: Likely benign for VPS13B-related condition. Last evaluated: 2023-10-25. Review status: no assertion criteria provided. Collection method: clinical testing. Allele origin: germline. Not counted in ClinVar's aggregate classification.
Comment: This variant is classified as likely benign based on ACMG/AMP sequence variant interpretation guidelines (Richards et al. 2015 PMID: 25741868, with internal and published modifications).